The following is an entry in ClinVar:

ClinVar aggregate classification (germline): Benign/Likely benign. Review status: criteria provided, multiple submitters, no conflicts (2 of 4 stars). 4 submissions from 4 submitters: Benign (3); Likely benign (1). Last evaluated 2026-02-03.

Conditions:
Seizures, benign familial infantile, 3 (BFIS3). Also called: Familial neonatal seizures; CONVULSIONS, BENIGN FAMILIAL INFANTILE, 3. Identifiers: Orphanet 140927, Orphanet 306, MedGen C1843140, MONDO:0011904, OMIM 607745.
Developmental and epileptic encephalopathy, 11 (DEE11). Also called: Early infantile epileptic encephalopathy 11. Identifiers: Orphanet 1934, MedGen C3150987, MONDO:0013388, OMIM 613721.

Allele frequency attached by ClinVar (database versions not stated): 1000 Genomes Project 30x 0.00156; 1000 Genomes Project 0.00160; TOPMed 0.00333; ExAC 0.00338; gnomAD exomes 0.00351; gnomAD 0.00367; ESP Exome Variant Server 0.00500.
gnomAD v4.1: 8,401 of 1,612,882 alleles (0.52%); highest among the groups gnomAD compares: Non-Finnish European, 0.65%; 28 homozygotes.

Submissions (4):

Labcorp Genetics (formerly Invitae), Labcorp
Classification: Benign for Seizures, benign familial infantile, 3; Developmental and epileptic encephalopathy, 11. Last evaluated: 2026-02-03. Review status: criteria provided, single submitter. Criteria: Invitae Variant Classification Sherloc (09022015). Collection method: clinical testing. Allele origin: germline.

Blueprint Genetics
Classification: Likely benign. Last evaluated: 2024-11-22. Review status: criteria provided, single submitter. Criteria: ACMG Guidelines, 2015. Collection method: clinical testing. Allele origin: germline.

GeneDx
Classification: Benign. Last evaluated: 2013-01-22. Review status: criteria provided, single submitter. Criteria: GeneDx Variant Classification (06012015). Collection method: clinical testing. Allele origin: germline. Affected: yes.
Comment: This variant is considered likely benign or benign based on one or more of the following criteria: it is a conservative change, it occurs at a poorly conserved position in the protein, it is predicted to be benign by multiple in silico algorithms, and/or has population frequency not consistent with disease.

Breakthrough Genomics
Classification: Benign. Review status: criteria provided, single submitter. Criteria: ACMG Guidelines, 2015. Collection method: not provided. Allele origin: germline. Inheritance: Autosomal dominant inheritance. Affected: yes.

NM_001040142.2(SCN2A):c.3675+19A>G

Gene: SCN2A (sodium voltage-gated channel alpha subunit 2; plus strand). Cytogenetic location: 2q24.3.
Variant type: single nucleotide variant.
Coding change: c.3675+19A>G on transcript NM_001040142.2 (MANE Select); 19 bases into the intron after coding-DNA position 3675, A replaced by G.
Molecular consequence: intron variant.
Genome position (GRCh38, 1-based): chr2:165,367,390, A>G. VCF-style: chr2-165367390-A-G. GRCh37 (hg19) VCF-style: chr2-166223900-A-G.
Other names: c.3675+19A>G (NM_001040143.2, NM_001371246.1, NM_001371247.1 and 1 more transcripts).
Identifiers: ClinVar variation 139014 (VCV000139014.11), dbSNP rs142439830, ClinGen allele CA293250.